The following is an entry in ClinVar:

NM_000465.4(BARD1):c.1600_1634delinsGCG (p.Thr534fs)

Gene: BARD1 (BRCA1 associated RING domain 1; minus strand). Cytogenetic location: 2q35.
Variant type: Indel.
Coding change: c.1600_1634delinsGCG on transcript NM_000465.4 (MANE Select); coding-DNA positions 1600 to 1634, the reference bases replaced by GCG.
Protein change: p.Thr534fs; shifts the reading frame from threonine 534.
Molecular consequence: frameshift variant. On other transcripts: non-coding transcript variant (3), intron variant (1).
Genome position (GRCh38, 1-based): chr2:214,752,490-214,752,524, 35 bases replaced. GRCh37 (hg19): chr2:215,617,214-215,617,248.
Other names: c.1543_1577delinsGCG, p.Thr515fs (NM_001282543.2); c.247_281delinsGCG, p.Thr83fs (NM_001282545.2); c.190_224delinsGCG, p.Thr64fs (NM_001282548.2); c.365-22016_365-21982delinsGCG (NM_001282549.2); short protein forms T515fs, T64fs, T534fs, T83fs.
Identifiers: ClinVar variation 406768 (VCV000406768.6), dbSNP rs1064792931, ClinGen allele CA16610687.

ClinVar aggregate classification (germline): Pathogenic (1 of 4 stars; one submission).

Conditions:
Familial cancer of breast. Also called: BREAST CANCER, FAMILIAL; Hereditary breast cancer; hereditary breast carcinoma. Identifiers: Orphanet 227535, MedGen C0346153, MONDO:0016419, OMIM 114480. Disease mechanism: loss of function.

Submission:

Labcorp Genetics (formerly Invitae), Labcorp
Classification: Pathogenic for Familial cancer of breast. Last evaluated: 2016-09-22. Review status: criteria provided, single submitter. Criteria: Invitae Variant Classification Sherloc (09022015). Collection method: clinical testing. Allele origin: germline.
Comment: This sequence change results in the deletion of 34 nucleotides and the insertion of 3 nucleotides in exon 7 of the BARD1 mRNA (c.1600_1634delinsGCG), causing a frameshift at codon 534. This creates a premature translational stop signal (p.Thr534Alafs*6) and is expected to result in an absent or disrupted protein product. While this particular variant has not been reported in the literature, loss-of-function variants in BARD1 are known to be pathogenic (PMID: 21344236, 22006311, 20077502). For these reasons, this variant has been classified as Pathogenic.

Literature cited by the submitters: PubMed 21344236; PubMed 22006311; PubMed 20077502.